The following is an entry in ClinVar:

NM_000020.3(ACVRL1):c.170G>A (p.Arg57Gln)

Gene: ACVRL1 (activin A receptor like type 1; plus strand). Cytogenetic location: 12q13.13.
Variant type: single nucleotide variant.
Coding change: c.170G>A on transcript NM_000020.3 (MANE Select); coding-DNA position 170, G replaced by A.
Protein change: p.Arg57Gln; replaces arginine 57 with glutamine.
Molecular consequence: missense variant. On other transcripts: intron variant (1).
Genome position (GRCh38, 1-based): chr12:51,913,207, G>A. VCF-style: chr12-51913207-G-A. GRCh37 (hg19) VCF-style: chr12-52306991-G-A.
Other names: c.170G>A, p.Arg57Gln (NM_001077401.2, NM_001406487.1, NM_001406488.1 and 6 more transcripts); c.61+672G>A (NM_001406495.1); short protein forms R57Q.
Identifiers: ClinVar variation 3574934 (VCV003574934.5).

ClinVar aggregate classification (germline): Conflicting classifications of pathogenicity. Review status: criteria provided, conflicting classifications (1 of 4 stars). 4 submissions from 4 submitters: Uncertain significance (3); Likely benign (1). Last evaluated 2026-07-03.

Conditions:
Telangiectasia, hereditary hemorrhagic, type 2 (HHT2). Also called: ACVRL1-Related Hereditary Hemorrhagic Telangiectasia; Telangiectasia, hereditary hemorrhagic, type II. Identifiers: Orphanet 774, MedGen C1838163, MONDO:0010880, OMIM 600376. Disease mechanism: loss of function.
Cardiovascular phenotype. Identifiers: MedGen CN230736.

Submissions (4):

Ambry Genetics
Classification: Likely benign for Cardiovascular phenotype. Last evaluated: 2026-07-03. Review status: criteria provided, single submitter. Criteria: Ambry Variant Classification Scheme 2023. Collection method: clinical testing. Allele origin: germline.

GeneDx
Classification: Uncertain significance. Last evaluated: 2025-06-11. Review status: criteria provided, single submitter. Criteria: GeneDx Variant Classification Process June 2021. Collection method: clinical testing. Allele origin: germline. Affected: yes.
Comment: Not observed at significant frequency in large population cohorts (gnomAD); In silico analysis supports that this missense variant has a deleterious effect on protein structure/function; Has not been previously published as pathogenic or benign to our knowledge

Fulgent Genetics
Classification: Uncertain significance for Telangiectasia, hereditary hemorrhagic, type 2. Last evaluated: 2024-03-29. Review status: criteria provided, single submitter. Criteria: ACMG Guidelines, 2015. Collection method: clinical testing. Allele origin: germline.

Revvity Omics, Revvity
Classification: Uncertain significance for Telangiectasia, hereditary hemorrhagic, type 2. Last evaluated: 2023-12-22. Review status: criteria provided, single submitter. Criteria: ACMG Guidelines, 2015. Collection method: clinical testing. Allele origin: germline.